The following is an entry in ClinVar:

ClinVar aggregate classification (germline): Uncertain significance. Review status: criteria provided, multiple submitters, no conflicts (2 of 4 stars). 2 submissions from 2 submitters: Uncertain significance (2). Last evaluated 2025-12-03.

Allele frequency attached by ClinVar (database versions not stated): gnomAD exomes 0.00001; TOPMed 0.00002.

Submissions (2):

Labcorp Genetics (formerly Invitae), Labcorp
Classification: Uncertain significance. Last evaluated: 2025-12-03. Review status: criteria provided, single submitter. Criteria: Invitae Variant Classification Sherloc (09022015). Collection method: clinical testing. Allele origin: germline.
Comment: This sequence change replaces glutamine, which is neutral and polar, with histidine, which is basic and polar, at codon 200 of the ROM1 protein (p.Gln200His). This variant is present in population databases (no rsID available, gnomAD 0.006%). This variant has not been reported in the literature in individuals affected with ROM1-related conditions. ClinVar contains an entry for this variant (Variation ID: 2466163). Invitae Evidence Modeling of protein sequence and biophysical properties (such as structural, functional, and spatial information, amino acid conservation, physicochemical variation, residue mobility, and thermodynamic stability) indicates that this missense variant is not expected to disrupt ROM1 protein function with a negative predictive value of 80%. In summary, the available evidence is currently insufficient to determine the role of this variant in disease. Therefore, it has been classified as a Variant of Uncertain Significance.

Ambry Genetics
Classification: Uncertain significance. Last evaluated: 2025-06-06. Review status: criteria provided, single submitter. Criteria: Ambry Variant Classification Scheme 2023. Collection method: clinical testing. Allele origin: germline.

NM_000327.4(ROM1):c.600G>C (p.Gln200His)

Gene: ROM1 (retinal outer segment membrane protein 1; plus strand). Cytogenetic location: 11q12.3.
Variant type: single nucleotide variant.
Coding change: c.600G>C on transcript NM_000327.4 (MANE Select); coding-DNA position 600, G replaced by C.
Protein change: p.Gln200His; replaces glutamine 200 with histidine.
Molecular consequence: missense variant.
Genome position (GRCh38, 1-based): chr11:62,614,267, G>C. VCF-style: chr11-62614267-G-C. GRCh37 (hg19) VCF-style: chr11-62381739-G-C.
Other names: short protein forms Q200H.
Identifiers: ClinVar variation 2466163 (VCV002466163.4), dbSNP rs1177000177, ClinGen allele CA380971396.